The following is an entry in ClinVar:

ClinVar aggregate classification (germline): Benign. Review status: criteria provided, multiple submitters, no conflicts (2 of 4 stars). 7 submissions from 7 submitters: Benign (6). 1 of the submissions does not count toward it. Last evaluated 2026-02-04.

Conditions:
Usher syndrome type 2C. Also called: Usher syndrome, type 2B; USHER SYNDROME, TYPE IIC. Identifiers: Orphanet 231178, Orphanet 886, MedGen C2931213, MONDO:0011558, OMIM 605472.

Allele frequency attached by ClinVar (database versions not stated): gnomAD exomes 0.03051; gnomAD 0.03061 and 0.02974; ESP Exome Variant Server 0.03382; ExAC 0.06177; 1000 Genomes Project 0.01637; 1000 Genomes Project 30x 0.01765; TOPMed 0.02655.
gnomAD v4.1: 59,013 of 1,468,956 alleles (4%); highest among the groups gnomAD compares: Non-Finnish European, 4.7%; 1,421 homozygotes.

Submissions (7):

Labcorp Genetics (formerly Invitae), Labcorp
Classification: Benign. Last evaluated: 2026-02-04. Review status: criteria provided, single submitter. Criteria: Invitae Variant Classification Sherloc (09022015). Collection method: clinical testing. Allele origin: germline.

Mayo Clinic Laboratories, Mayo Clinic
Classification: Benign. Last evaluated: 2020-12-04. Review status: criteria provided, single submitter. Criteria: ACMG Guidelines, 2015. Collection method: clinical testing. Allele origin: germline. Observed: 11 variant alleles.

Athena Diagnostics
Classification: Benign. Last evaluated: 2018-01-19. Review status: criteria provided, single submitter. Criteria: Athena Diagnostics Criteria. Collection method: clinical testing. Allele origin: germline.

Illumina Laboratory Services, Illumina
Classification: Benign for Usher syndrome type 2C. Last evaluated: 2018-01-13. Review status: criteria provided, single submitter. Criteria: ICSL Variant Classification Criteria 13 December 2019. Collection method: clinical testing. Allele origin: germline.
Comment: This variant was observed in the ICSL laboratory as part of a predisposition screen in an ostensibly healthy population. It had not been previously curated by ICSL or reported in the Human Gene Mutation Database (HGMD: prior to June 1st, 2018), and was therefore a candidate for classification through an automated scoring system. Utilizing variant allele frequency, disease prevalence and penetrance estimates, and inheritance mode, an automated score was calculated to assess if this variant is too frequent to cause the disease. Based on the score and internal cut-off values, a variant classified as benign is not then subjected to further curation. The score for this variant resulted in a classification of benign for this disease.

GeneDx
Classification: Benign. Last evaluated: 2013-03-29. Review status: criteria provided, single submitter. Criteria: GeneDx Variant Classification (06012015). Collection method: clinical testing. Allele origin: germline. Affected: yes.
Comment: This variant is considered likely benign or benign based on one or more of the following criteria: it is a conservative change, it occurs at a poorly conserved position in the protein, it is predicted to be benign by multiple in silico algorithms, and/or has population frequency not consistent with disease.

Laboratory for Molecular Medicine, Mass General Brigham Personalized Medicine
Classification: Benign. Last evaluated: 2012-03-08. Review status: criteria provided, single submitter. Criteria: LMM Criteria. Collection method: clinical testing. Allele origin: germline. Observed: 123 variant alleles.
Comment: Leu127Arg in exon 4 of GPR98: This variant is not expected to have clinical sign ificance because it has been identified in 4.4% (289/6532) of European American chromosomes and 0.75% (22/2906) of African American chromosomes from a broad pop ulation by the NHLBI Exome sequencing project (dbSNP rs41311333).

Genetic Services Laboratory, University of Chicago
Classification: Likely benign. Review status: no assertion criteria provided. Collection method: clinical testing. Allele origin: germline. Inheritance: Autosomal dominant inheritance. Not counted in ClinVar's aggregate classification.
Comment: Likely benign based on allele frequency in 1000 Genomes Project or ESP global frequency and its presence in a patient with a rare or unrelated disease phenotype. NOT Sanger confirmed

NM_032119.4(ADGRV1):c.380T>G (p.Leu127Arg)

Gene: ADGRV1 (adhesion G protein-coupled receptor V1; plus strand). Cytogenetic location: 5q14.3.
Variant type: single nucleotide variant.
Coding change: c.380T>G on transcript NM_032119.4 (MANE Select); coding-DNA position 380, T replaced by G.
Protein change: p.Leu127Arg; replaces leucine 127 with arginine.
Molecular consequence: missense variant. On other transcripts: non-coding transcript variant (1).
Genome position (GRCh38, 1-based): chr5:90,619,108, T>G. VCF-style: chr5-90619108-T-G. GRCh37 (hg19) VCF-style: chr5-89914925-T-G.
Other names: p.L127R:CTT>CGT; short protein forms L127R.
Identifiers: ClinVar variation 46321 (VCV000046321.22), dbSNP rs41311333, ClinGen allele CA138116.
Genomic context (GRCh38, chr5:90,619,108, plus strand): 5'-TTTTAATTCATTATTTTATTTTTGGGATTTTATTTTAGAAACCTTCAGCAAATGTGAAGC[T>G]TGGATGGCCAAGGACTGTTACTGTGACAATATTATCAAATGACAATGCATTTGGAATTAT-3'
Protein context (NP_115495.3, residues 117-137): TLQKPSANVK[Leu127Arg]GWPRTVTVTI